The following is an entry in ClinVar:

NM_018089.3(ANKZF1):c.14C>T (p.Pro5Leu)

Gene: ANKZF1 (ankyrin repeat and zinc finger peptidyl tRNA hydrolase 1; plus strand). Cytogenetic location: 2q35.
Variant type: single nucleotide variant.
Coding change: c.14C>T on transcript NM_018089.3 (MANE Select); coding-DNA position 14, C replaced by T.
Protein change: p.Pro5Leu; replaces proline 5 with leucine.
Molecular consequence: missense variant. On other transcripts: intron variant (1).
Genome position (GRCh38, 1-based): chr2:219,230,271, C>T. VCF-style: chr2-219230271-C-T. GRCh37 (hg19) VCF-style: chr2-220094993-C-T.
Other names: c.14C>T, p.Pro5Leu (NM_001042410.2); c.-267+371C>T (NM_001282792.2); short protein forms P5L.
Identifiers: ClinVar variation 2071368 (VCV002071368.4), dbSNP rs763856445, ClinGen allele CA2120586.
Genomic context (GRCh38, chr2:219,230,271, plus strand): 5'-CACGCTTTCTACTCCAGGAGCTGCTGCTAAATAATTTCTGCTCAGCCATGTCGCCGGCTC[C>T]AGATGCAGCCCCGGCTCCTGCGTCGATCTCCCTGTTTGACCTCAGCGCGGATGCTCCGGT-3'
Protein context (NP_060559.2, residues 1-15): MSPA[Pro5Leu]DAAPAPASIS

ClinVar aggregate classification (germline): Uncertain significance (1 of 4 stars; one submission).

Allele frequency attached by ClinVar (database versions not stated): gnomAD exomes 0.00001; TOPMed 0.00001; ExAC 0.00003.
gnomAD v4.1: 17 of 1,613,574 alleles (0.0011%); highest among the groups gnomAD compares: Non-Finnish European, 0.0013%; no homozygotes.

Submission:

Labcorp Genetics (formerly Invitae), Labcorp
Classification: Uncertain significance. Last evaluated: 2022-01-12. Review status: criteria provided, single submitter. Criteria: Invitae Variant Classification Sherloc (09022015). Collection method: clinical testing. Allele origin: germline.
Comment: This variant is present in population databases (rs763856445, gnomAD 0.004%). This sequence change replaces proline, which is neutral and non-polar, with leucine, which is neutral and non-polar, at codon 5 of the ANKZF1 protein (p.Pro5Leu). Algorithms developed to predict the effect of missense changes on protein structure and function are either unavailable or do not agree on the potential impact of this missense change (SIFT: "Tolerated"; PolyPhen-2: "Possibly Damaging"; Align-GVGD: "Class C0"). This variant has not been reported in the literature in individuals affected with ANKZF1-related conditions. In summary, the available evidence is currently insufficient to determine the role of this variant in disease. Therefore, it has been classified as a Variant of Uncertain Significance.